The following is an entry in ClinVar:

ClinVar aggregate classification (germline): Uncertain significance. Review status: criteria provided, multiple submitters, no conflicts (2 of 4 stars). 2 submissions from 2 submitters: Uncertain significance (2). Last evaluated 2023-01-06.

Allele frequency attached by ClinVar (database versions not stated): gnomAD exomes 0.00003.
gnomAD v4.1: 75 of 1,471,104 alleles (0.0051%); highest among the groups gnomAD compares: Non-Finnish European, 0.006%; no homozygotes.

Submissions (2):

Ambry Genetics
Classification: Uncertain significance. Last evaluated: 2023-01-06. Review status: criteria provided, single submitter. Criteria: Ambry Variant Classification Scheme 2023. Collection method: clinical testing. Allele origin: germline.

Labcorp Genetics (formerly Invitae), Labcorp
Classification: Uncertain significance. Last evaluated: 2021-08-20. Review status: criteria provided, single submitter. Criteria: Invitae Variant Classification Sherloc (09022015). Collection method: clinical testing. Allele origin: germline.
Comment: This sequence change replaces proline with histidine at codon 412 of the SAMD11 protein (p.Pro412His). The proline residue is highly conserved and there is a moderate physicochemical difference between proline and histidine. The frequency data for this variant in the population databases is considered unreliable, as metrics indicate insufficient coverage at this position in the ExAC database. This variant has not been reported in the literature in individuals affected with SAMD11-related conditions. Algorithms developed to predict the effect of missense changes on protein structure and function are either unavailable or do not agree on the potential impact of this missense change (SIFT: "Deleterious"; PolyPhen-2: "Benign"; Align-GVGD: "Class C0"). In summary, the available evidence is currently insufficient to determine the role of this variant in disease. Therefore, it has been classified as a Variant of Uncertain Significance.

NM_001385641.1(SAMD11):c.1724C>A (p.Pro575His)

Gene: SAMD11 (sterile alpha motif domain containing 11; plus strand). Cytogenetic location: 1p36.33.
Variant type: single nucleotide variant.
Coding change: c.1724C>A on transcript NM_001385641.1 (MANE Select); coding-DNA position 1724, C replaced by A.
Protein change: p.Pro575His; replaces proline 575 with histidine.
Molecular consequence: missense variant.
Genome position (GRCh38, 1-based): chr1:942,729, C>A. VCF-style: chr1-942729-C-A. GRCh37 (hg19) VCF-style: chr1-878109-C-A.
Other names: c.1727C>A, p.Pro576His (NM_001385640.1); c.1235C>A, p.Pro412His (NM_152486.4); c.1235C>A (NM_152486.2); short protein forms P412H, P575H, P576H.
Identifiers: ClinVar variation 1355340 (VCV001355340.6), dbSNP rs901420898, ClinGen allele CA16724978.
Genomic context (GRCh38, chr1:942,729, plus strand): 5'-AGCGGCGCGGGGCCCTGCTGGTGCTGAACCACGGCGCGGCGCCACTGCTGGCCCTGCCCC[C>A]CCAGGGGCCCCCGGGCTCCGGACCCCCCACCCCGTCCCGGGACTCTGCCCGGCGAGCCCC-3'
Protein context (NP_001372570.1, residues 565-585): HGAAPLLALP[Pro575His]QGPPGSGPPT